The following is an entry in ClinVar:

ClinVar aggregate classification (germline): Pathogenic (1 of 4 stars; one submission).

Submission:

GeneDx
Classification: Pathogenic. Last evaluated: 2019-01-24. Review status: criteria provided, single submitter. Criteria: GeneDx Variant Classification (06012015). Collection method: clinical testing. Allele origin: germline. Affected: yes.
Comment: The c.2581delG pathogenic variant in the SCN2A gene causes a frameshift starting with codon Alanine 861, changes this amino acid to a Glutamine residue and creates a premature Stop codon at position 7 of the new reading frame, denoted p.Ala861GlnfsX7. This pathogenic variant is predicted to cause loss of normal protein function either through protein truncation or nonsense-mediated mRNA decay. The c.2581delG variant is not observed in large population cohorts (Lek et al., 2016). Although this pathogenic variant has not been previously reported to our knowledge, its presence is consistent with the diagnosis of an SCN2A-related disorder in this individual.

NM_001040142.2(SCN2A):c.2581del (p.Ala861fs)

Gene: SCN2A (sodium voltage-gated channel alpha subunit 2; plus strand). Cytogenetic location: 2q24.3.
Variant type: Deletion.
Coding change: c.2581del on transcript NM_001040142.2 (MANE Select); coding-DNA position 2581, one base deleted (G; older notation c.2581delG).
Protein change: p.Ala861fs; shifts the reading frame from alanine 861.
Molecular consequence: frameshift variant.
Genome position (GRCh38, 1-based): chr2:165,344,573, G deleted; the last of 2 consecutive G bases (chr2:165,344,572-165,344,573); deleting either gives the same sequence. VCF-style (leftmost placement, unchanged base first): chr2-165344571-TG-T. GRCh37 (hg19) VCF-style: chr2-166201081-TG-T.
Other names: c.2581del, p.Ala861fs (NM_001040143.2, NM_001371246.1, NM_001371247.1 and 1 more transcripts); short protein forms A861fs.
Identifiers: ClinVar variation 817420 (VCV000817420.1), dbSNP rs1574641366, ClinGen allele CA915942906.